The following is an entry in ClinVar:

NM_001287491.2(TET3):c.5228A>G (p.Lys1743Arg)

Gene: TET3 (tet methylcytosine dioxygenase 3; plus strand). Cytogenetic location: 2p13.1.
Variant type: single nucleotide variant.
Coding change: c.5228A>G on transcript NM_001287491.2 (MANE Select); coding-DNA position 5228, A replaced by G.
Protein change: p.Lys1743Arg; replaces lysine 1743 with arginine.
Molecular consequence: missense variant.
Genome position (GRCh38, 1-based): chr2:74,102,016, A>G. VCF-style: chr2-74102016-A-G. GRCh37 (hg19) VCF-style: chr2-74329143-A-G.
Other names: c.4949A>G, p.Lys1650Arg (NM_001366022.1); c.4823A>G, p.Lys1608Arg (NM_144993.1); short protein forms K1608R, K1650R, K1743R.
Identifiers: ClinVar variation 3234716 (VCV003234716.20), dbSNP rs2528203316, ClinGen allele CA347324419.

ClinVar aggregate classification (germline): Uncertain significance (1 of 4 stars; one submission).

Submission:

CeGaT Center for Human Genetics Tuebingen
Classification: Uncertain significance. Last evaluated: 2024-04-01. Review status: criteria provided, single submitter. Criteria: CeGaT Center For Human Genetics Tuebingen Variant Classification Criteria Version 2. Collection method: clinical testing. Allele origin: germline. Affected: yes. Observed: 1 variant allele.
Comment: TET3: PM2